The following is an entry in ClinVar:

ClinVar aggregate classification (germline): Conflicting classifications of pathogenicity. Review status: criteria provided, conflicting classifications (1 of 4 stars). 4 submissions from 4 submitters: Uncertain significance (2); Likely benign (2). Last evaluated 2026-01-14.

Conditions:
TTN-related disorder. Also called: TTN-related disorders; TTN-related condition; TTN-related disease.

Allele frequency attached by ClinVar (database versions not stated): TOPMed below 0.00001; gnomAD 0.00001; gnomAD exomes 0.00001 and 0.00005.
gnomAD v4.1: 71 of 1,613,980 alleles (0.0044%); highest among the groups gnomAD compares: Middle Eastern, 0.066%; no homozygotes.

Submissions (4):

PreventionGenetics, part of Exact Sciences
Classification: Uncertain significance for TTN-related condition. Last evaluated: 2026-01-14. Review status: criteria provided, single submitter. Criteria: ACMG Guidelines, 2015. Collection method: clinical testing. Allele origin: germline.
Comment: The TTN c.9802C>T variant is predicted to result in the amino acid substitution p.Pro3268Ser. To our knowledge, this variant has not been reported in the literature. This variant is reported in 0.0018% of alleles in individuals of European (Non-Finnish) descent in gnomAD. At this time, the clinical significance of this variant is uncertain due to the absence of conclusive functional and genetic evidence.

Molecular Diagnostic Laboratory for Inherited Cardiovascular Disease, Montreal Heart Institute
Classification: Likely benign. Last evaluated: 2025-04-09. Review status: criteria provided, single submitter. Criteria: ACMG Guidelines, 2015. Collection method: clinical testing. Allele origin: germline. Affected: no.

Women's Health and Genetics/Laboratory Corporation of America, LabCorp
Classification: Uncertain significance. Last evaluated: 2021-10-23. Review status: criteria provided, single submitter. Criteria: LabCorp Variant Classification Summary - May 2015. Collection method: clinical testing. Allele origin: germline.

GeneDx
Classification: Likely benign. Last evaluated: 2018-05-14. Review status: criteria provided, single submitter. Criteria: GeneDx Variant Classification (06012015). Collection method: clinical testing. Allele origin: germline. Affected: yes.
Comment: This variant is considered likely benign or benign based on one or more of the following criteria: it is a conservative change, it occurs at a poorly conserved position in the protein, it is predicted to be benign by multiple in silico algorithms, and/or has population frequency not consistent with disease.

NM_001267550.2(TTN):c.9802C>T (p.Pro3268Ser)

Gene: TTN (titin; minus strand). Cytogenetic location: 2q31.2.
Variant type: single nucleotide variant.
Coding change: c.9802C>T on transcript NM_001267550.2 (MANE Select); coding-DNA position 9802, C replaced by T.
Protein change: p.Pro3268Ser; replaces proline 3268 with serine.
Molecular consequence: missense variant.
Genome position (GRCh38, 1-based): chr2:178,764,713, G>A on the plus strand (C>T on the coding strand, the complement: TTN is on the minus strand). VCF-style: chr2-178764713-G-A. GRCh37 (hg19) VCF-style: chr2-179629440-G-A.
Other names: c.9802C>T, p.Pro3268Ser (NM_001256850.1, NM_133378.4, NM_133379.5); c.9664C>T, p.Pro3222Ser (NM_003319.4, NM_133432.3, NM_133437.4); short protein forms P3222S, P3268S.
Identifiers: ClinVar variation 668376 (VCV000668376.4), dbSNP rs912372716, ClinGen allele CA60999090.